The following is an entry in ClinVar:

ClinVar aggregate classification (germline): Uncertain significance (1 of 4 stars; one submission).

Conditions:
Arrhythmogenic right ventricular cardiomyopathy (ARVD). Also called: Arrhythmogenic right ventricular dysplasia; Cardiomyopathy, ARVC; Arrhythmogenic cardiomyopathy; Arrhythmogenic Right Ventricular Cardiomyopathy (ARVC). Identifiers: Orphanet 247, MedGen C0349788, MeSH D019571, MONDO:0016587. Disease mechanism: loss of function. Inheritance: Various modes of inheritance.

Allele frequency attached by ClinVar (database versions not stated): gnomAD exomes below 0.00001; TOPMed below 0.00001.
gnomAD v4.1: 6 of 1,614,178 alleles (0.00037%); highest among the groups gnomAD compares: Non-Finnish European, 0.00051%; no homozygotes.

Submission:

All of Us Research Program, National Institutes of Health
Classification: Uncertain significance for Arrhythmogenic right ventricular cardiomyopathy. Last evaluated: 2023-04-03. Review status: criteria provided, single submitter. Criteria: ACMG Guidelines, 2015. Collection method: clinical testing. Allele origin: germline. Inheritance: Autosomal dominant inheritance. Observed: 1 variant allele, 1 heterozygote.
Comment: This missense variant replaces glutamine with arginine at codon 255 of the DSG2 protein. Computational prediction suggests that this variant may not impact protein structure and function (internally defined REVEL score threshold <= 0.5, PMID: 27666373). To our knowledge, functional studies have not been reported for this variant. This variant has not been reported in individuals affected with DSG2-related disorders in the literature. This variant has been identified in 1/248898 chromosomes in the general population by the Genome Aggregation Database (gnomAD). The available evidence is insufficient to determine the role of this variant in disease conclusively. Therefore, this variant is classified as a Variant of Uncertain Significance.

This study involves interpretation of variants in research participants for the purpose of population health screening. Participant phenotype was not available at the time of variant classification. Additional details can be found in publication PMID: 35346344, PMCID: PMC8962531

NM_001943.5(DSG2):c.764A>G (p.Gln255Arg)

Gene: DSG2 (desmoglein 2; plus strand). Cytogenetic location: 18q12.1.
Variant type: single nucleotide variant.
Coding change: c.764A>G on transcript NM_001943.5 (MANE Select); coding-DNA position 764, A replaced by G.
Protein change: p.Gln255Arg; replaces glutamine 255 with arginine.
Molecular consequence: missense variant.
Genome position (GRCh38, 1-based): chr18:31,524,521, A>G. VCF-style: chr18-31524521-A-G. GRCh37 (hg19) VCF-style: chr18-29104484-A-G.
Other names: short protein forms Q255R.
Identifiers: ClinVar variation 3070095 (VCV003070095.1), dbSNP rs1217520530, ClinGen allele CA402135089.
Genomic context (GRCh38, chr18:31,524,521, plus strand): 5'-ACACTTTGACAGTAGAAGCAAGAGATGGCAATGGAGAAGTTACAGACAAACCTGTAAAAC[A>G]AGCTCAAGTTCAGATTCGTATTTTGGATGTCAATGACAATATACCTGTAGTAGAAAATAA-3'
Protein context (NP_001934.2, residues 245-265): NGEVTDKPVK[Gln255Arg]AQVQIRILDV